The following is an entry in ClinVar:

NM_181882.3(PRX):c.847G>T (p.Val283Leu)

Gene: PRX (periaxin; minus strand). Cytogenetic location: 19q13.2.
Variant type: single nucleotide variant.
Coding change: c.847G>T on transcript NM_181882.3 (MANE Select); coding-DNA position 847, G replaced by T.
Protein change: p.Val283Leu; replaces valine 283 with leucine.
Molecular consequence: missense variant. On other transcripts: 3 prime UTR variant (1).
Genome position (GRCh38, 1-based): chr19:40,397,505, C>A on the plus strand (G>T on the coding strand, the complement: PRX is on the minus strand). VCF-style: chr19-40397505-C-A. GRCh37 (hg19) VCF-style: chr19-40903412-C-A.
Other names: c.1132G>T, p.Val378Leu (NM_001411127.1); c.*1052G>T (NM_020956.2); short protein forms V378L, V283L.
Identifiers: ClinVar variation 2726401 (VCV002726401.3), dbSNP rs535087433, ClinGen allele CA405899575.

ClinVar aggregate classification (germline): Uncertain significance (1 of 4 stars; one submission).

Conditions:
Charcot-Marie-Tooth disease type 4. Also called: Charcot-Marie-Tooth, Type 4; Charcot-Marie-Tooth disease, type IV. Identifiers: Orphanet 64749, MedGen C4082197, MONDO:0018995.

gnomAD v4.1: 6 of 1,552,910 alleles (0.00039%); highest among the groups gnomAD compares: South Asian, 0.0012%; no homozygotes.

Submission:

Labcorp Genetics (formerly Invitae), Labcorp
Classification: Uncertain significance for Charcot-Marie-Tooth disease type 4. Last evaluated: 2023-10-13. Review status: criteria provided, single submitter. Criteria: Invitae Variant Classification Sherloc (09022015). Collection method: clinical testing. Allele origin: germline.
Comment: This sequence change replaces valine, which is neutral and non-polar, with leucine, which is neutral and non-polar, at codon 283 of the PRX protein (p.Val283Leu). The frequency data for this variant in the population databases is considered unreliable, as metrics indicate poor data quality at this position in the gnomAD database. This variant has not been reported in the literature in individuals affected with PRX-related conditions. Algorithms developed to predict the effect of missense changes on protein structure and function output the following: SIFT: "Not Available"; PolyPhen-2: "Benign"; Align-GVGD: "Not Available". The leucine amino acid residue is found in multiple mammalian species, which suggests that this missense change does not adversely affect protein function. In summary, the available evidence is currently insufficient to determine the role of this variant in disease. Therefore, it has been classified as a Variant of Uncertain Significance.